The following is an entry in ClinVar:

ClinVar aggregate classification (germline): Uncertain significance (1 of 4 stars; one submission).

Conditions:
Huntington disease-like 1 (HDL1). Also called: HUNTINGTON-LIKE NEURODEGENERATIVE DISORDER 1; HUNTINGTON-LIKE NEURODEGENERATIVE DISORDER, AUTOSOMAL DOMINANT; PRION DISEASE, EARLY-ONSET, WITH PROMINENT PSYCHIATRIC FEATURES. Identifiers: Orphanet 157941, MedGen C1864112, MONDO:0011299, OMIM 603218.

Allele frequency attached by ClinVar (database versions not stated): gnomAD exomes below 0.00001; gnomAD 0.00001; ExAC 0.00002; TOPMed 0.00002.
gnomAD v4.1: 7 of 1,613,924 alleles (0.00043%); highest among the groups gnomAD compares: African/African-American, 0.008%; no homozygotes.

Submission:

Labcorp Genetics (formerly Invitae), Labcorp
Classification: Uncertain significance for Huntington disease-like 1. Last evaluated: 2024-11-01. Review status: criteria provided, single submitter. Criteria: Invitae Variant Classification Sherloc (09022015). Collection method: clinical testing. Allele origin: germline.
Comment: This sequence change replaces isoleucine, which is neutral and non-polar, with methionine, which is neutral and non-polar, at codon 182 of the PRNP protein (p.Ile182Met). This variant is present in population databases (rs753015009, gnomAD 0.008%). This variant has not been reported in the literature in individuals affected with PRNP-related conditions. ClinVar contains an entry for this variant (Variation ID: 2419391). Invitae Evidence Modeling of protein sequence and biophysical properties (such as structural, functional, and spatial information, amino acid conservation, physicochemical variation, residue mobility, and thermodynamic stability) indicates that this missense variant is not expected to disrupt PRNP protein function with a negative predictive value of 80%. In summary, the available evidence is currently insufficient to determine the role of this variant in disease. Therefore, it has been classified as a Variant of Uncertain Significance.

NM_000311.5(PRNP):c.546C>G (p.Ile182Met)

Gene: PRNP (prion protein (Kanno blood group); plus strand). Cytogenetic location: 20p13.
Variant type: single nucleotide variant.
Coding change: c.546C>G on transcript NM_000311.5 (MANE Select); coding-DNA position 546, C replaced by G.
Protein change: p.Ile182Met; replaces isoleucine 182 with methionine.
Molecular consequence: missense variant. On other transcripts: 3 prime UTR variant (1).
Genome position (GRCh38, 1-based): chr20:4,699,766, C>G. VCF-style: chr20-4699766-C-G. GRCh37 (hg19) VCF-style: chr20-4680412-C-G.
Other names: c.546C>G, p.Ile182Met (NM_001080121.3, NM_001080122.3, NM_001080123.3 and 1 more transcripts); c.*235C>G (NM_001271561.3); short protein forms I182M.
Identifiers: ClinVar variation 2419391 (VCV002419391.6), dbSNP rs753015009, ClinGen allele CA9752095.